The following is an entry in ClinVar:

ClinVar aggregate classification (germline): Uncertain significance (1 of 4 stars; one submission).

Submission:

GeneDx
Classification: Uncertain significance. Last evaluated: 2025-08-01. Review status: criteria provided, single submitter. Criteria: GeneDx Variant Classification Process June 2021. Collection method: clinical testing. Allele origin: germline. Affected: yes.
Comment: Not observed at significant frequency in large population cohorts (gnomAD); In silico analysis supports that this missense variant has a deleterious effect on protein structure/function; In silico analysis suggests this variant may impact gene splicing. In the absence of RNA/functional studies, the actual effect of this sequence change is unknown.; Has not been previously published as pathogenic or benign to our knowledge

NM_198578.4(LRRK2):c.7421G>A (p.Gly2474Asp)

Gene: LRRK2 (leucine rich repeat kinase 2; plus strand). Cytogenetic location: 12q12.
Variant type: single nucleotide variant.
Coding change: c.7421G>A on transcript NM_198578.4 (MANE Select); coding-DNA position 7421, G replaced by A.
Protein change: p.Gly2474Asp; replaces glycine 2474 with aspartic acid.
Molecular consequence: missense variant.
Genome position (GRCh38, 1-based): chr12:40,367,036, G>A. VCF-style: chr12-40367036-G-A. GRCh37 (hg19) VCF-style: chr12-40760838-G-A.
Other names: short protein forms G2474D.
Identifiers: ClinVar variation 4689990 (VCV004689990.1).